The following is an entry in ClinVar:

NM_001291746.2(REL):c.1231A>G (p.Ile411Val)

Gene: REL (REL proto-oncogene, NF-kB subunit; plus strand). Cytogenetic location: 2p16.1.
Variant type: single nucleotide variant.
Coding change: c.1231A>G on transcript NM_001291746.2 (MANE Select); coding-DNA position 1231, A replaced by G.
Protein change: p.Ile411Val; replaces isoleucine 411 with valine.
Molecular consequence: missense variant.
Genome position (GRCh38, 1-based): chr2:60,922,002, A>G. VCF-style: chr2-60922002-A-G. GRCh37 (hg19) VCF-style: chr2-61149137-A-G.
Other names: c.1327A>G, p.Ile443Val (NM_002908.4); short protein forms I443V, I411V.
Identifiers: ClinVar variation 2106402 (VCV002106402.4), dbSNP rs2466295910, ClinGen allele CA347044317.

ClinVar aggregate classification (germline): Uncertain significance (1 of 4 stars; one submission).

Allele frequency attached by ClinVar (database versions not stated): gnomAD exomes below 0.00001.
gnomAD v4.1: 2 of 1,614,206 alleles (0.00012%); highest among the groups gnomAD compares: Non-Finnish European, 0.00017%; no homozygotes.

Submission:

Labcorp Genetics (formerly Invitae), Labcorp
Classification: Uncertain significance. Last evaluated: 2022-03-18. Review status: criteria provided, single submitter. Criteria: Invitae Variant Classification Sherloc (09022015). Collection method: clinical testing. Allele origin: germline.
Comment: This sequence change replaces isoleucine, which is neutral and non-polar, with valine, which is neutral and non-polar, at codon 443 of the REL protein (p.Ile443Val). This variant is not present in population databases (gnomAD no frequency). This variant has not been reported in the literature in individuals affected with REL-related conditions. Algorithms developed to predict the effect of missense changes on protein structure and function output the following: SIFT: "Tolerated"; PolyPhen-2: "Benign"; Align-GVGD: "Class C0". The valine amino acid residue is found in multiple mammalian species, which suggests that this missense change does not adversely affect protein function. In summary, the available evidence is currently insufficient to determine the role of this variant in disease. Therefore, it has been classified as a Variant of Uncertain Significance.